The following is an entry in ClinVar:

ClinVar aggregate classification (germline): Uncertain significance (1 of 4 stars; one submission).

Conditions:
Inborn genetic diseases. Identifiers: MedGen C0950123, MeSH D030342.

Submission:

Ambry Genetics
Classification: Uncertain significance for Inborn genetic diseases. Last evaluated: 2025-03-19. Review status: criteria provided, single submitter. Criteria: Ambry Variant Classification Scheme 2023. Collection method: clinical testing. Allele origin: germline.
Comment: The p.G1824D variant (also known as c.5471G>A), located in coding exon 21 of the FANCM gene, results from a G to A substitution at nucleotide position 5471. The glycine at codon 1824 is replaced by aspartic acid, an amino acid with similar properties. This amino acid position is conserved. In addition, this alteration is predicted to be tolerated by in silico analysis. Based on the available evidence, the clinical significance of this variant remains unclear.

NM_020937.4(FANCM):c.5471G>A (p.Gly1824Asp)

Gene: FANCM (FA complementation group M; plus strand). Cytogenetic location: 14q21.2.
Variant type: single nucleotide variant.
Coding change: c.5471G>A on transcript NM_020937.4 (MANE Select); coding-DNA position 5471, G replaced by A.
Protein change: p.Gly1824Asp; replaces glycine 1824 with aspartic acid.
Molecular consequence: missense variant.
Genome position (GRCh38, 1-based): chr14:45,196,302, G>A. VCF-style: chr14-45196302-G-A. GRCh37 (hg19) VCF-style: chr14-45665505-G-A.
Other names: c.5393G>A, p.Gly1798Asp (NM_001308133.2); short protein forms G1824D, G1798D.
Identifiers: ClinVar variation 4022591 (VCV004022591.1).